The following is an entry in ClinVar:

ClinVar aggregate classification (germline): Benign/Likely benign. Review status: criteria provided, multiple submitters, no conflicts (2 of 4 stars). 3 submissions from 3 submitters: Benign (1); Likely benign (2). Last evaluated 2025-01-10.

Conditions:
Hereditary cancer-predisposing syndrome. Also called: Hereditary neoplastic syndrome; Neoplastic Syndromes, Hereditary; Hereditary Cancer Syndrome; Tumor predisposition. Identifiers: Orphanet 140162, MedGen C0027672, MeSH D009386, MONDO:0015356.
Familial cancer of breast. Also called: hereditary breast carcinoma; BREAST CANCER, FAMILIAL; Hereditary breast cancer. Identifiers: Orphanet 227535, MedGen C0346153, MONDO:0016419, OMIM 114480. Disease mechanism: loss of function.

Allele frequency attached by ClinVar (database versions not stated): gnomAD exomes 0.00001 and 0.00002; ExAC 0.00002.
gnomAD v4.1: 5 of 1,614,148 alleles (0.00031%); highest among the groups gnomAD compares: South Asian, 0.0033%; no homozygotes.

Submissions (3):

Myriad Genetics, Inc.
Classification: Benign for Familial cancer of breast. Last evaluated: 2025-01-10. Review status: criteria provided, single submitter. Criteria: Myriad Autosomal Dominant, Autosomal Recessive and X-Linked Classification Criteria (2023). Collection method: clinical testing. Allele origin: unknown.
Comment: This variant is considered benign. This variant is a silent/synonymous amino acid change and it is not expected to impact splicing.

Ambry Genetics
Classification: Likely benign for Hereditary cancer-predisposing syndrome. Last evaluated: 2024-06-30. Review status: criteria provided, single submitter. Criteria: Ambry Variant Classification Scheme 2023. Collection method: clinical testing. Allele origin: germline.

Labcorp Genetics (formerly Invitae), Labcorp
Classification: Likely benign for Familial cancer of breast. Last evaluated: 2024-02-24. Review status: criteria provided, single submitter. Criteria: Invitae Variant Classification Sherloc (09022015). Collection method: clinical testing. Allele origin: germline.

NM_024675.4(PALB2):c.915A>G (p.Val305=)

Gene: PALB2 (partner and localizer of BRCA2; minus strand). Cytogenetic location: 16p12.2.
Variant type: single nucleotide variant.
Coding change: c.915A>G on transcript NM_024675.4 (MANE Select); coding-DNA position 915, A replaced by G.
Protein change: p.Val305=; no amino-acid change (valine 305 retained).
Molecular consequence: synonymous variant.
Genome position (GRCh38, 1-based): chr16:23,635,631, T>C on the plus strand (A>G on the coding strand, the complement: PALB2 is on the minus strand). VCF-style: chr16-23635631-T-C. GRCh37 (hg19) VCF-style: chr16-23646952-T-C.
Other names: c.915A>G (NM_024675.3).
Identifiers: ClinVar variation 1559003 (VCV001559003.11), dbSNP rs748881930, ClinGen allele CA7963746.